The following is an entry in ClinVar:

ClinVar aggregate classification (germline): Benign/Likely benign. Review status: criteria provided, multiple submitters, no conflicts (2 of 4 stars). 2 submissions from 2 submitters: Benign (1); Likely benign (1). Last evaluated 2026-09-16.

Conditions:
Colorectal cancer, hereditary nonpolyposis, type 7. Identifiers: Orphanet 144, MedGen C1858380, MONDO:0013725, OMIM 614385.

Submissions (2):

Myriad Genetics, Inc.
Classification: Benign for Colorectal cancer, hereditary nonpolyposis, type 7. Last evaluated: 2026-09-16. Review status: criteria provided, single submitter. Criteria: Myriad Autosomal Dominant, Autosomal Recessive and X-Linked Classification Criteria (2023). Collection method: clinical testing. Allele origin: unknown.
Comment: This variant is considered benign. This variant is a silent/synonymous amino acid change and it is not expected to impact splicing.

Ambry Genetics
Classification: Likely benign. Last evaluated: 2021-07-23. Review status: criteria provided, single submitter. Criteria: Ambry Variant Classification Scheme 2023. Collection method: clinical testing. Allele origin: germline.

NM_001040108.2(MLH3):c.3354G>A (p.Arg1118=)

Gene: MLH3 (mutL homolog 3; minus strand). Cytogenetic location: 14q24.3.
Variant type: single nucleotide variant.
Coding change: c.3354G>A on transcript NM_001040108.2 (MANE Select); coding-DNA position 3354, G replaced by A.
Protein change: p.Arg1118=; no amino-acid change (arginine 1118 retained).
Molecular consequence: synonymous variant.
Genome position (GRCh38, 1-based): chr14:75,042,404, C>T on the plus strand (G>A on the coding strand, the complement: MLH3 is on the minus strand). VCF-style: chr14-75042404-C-T. GRCh37 (hg19) VCF-style: chr14-75509107-C-T.
Other names: c.3354G>A, p.Arg1118= (NM_014381.3).
Identifiers: ClinVar variation 1730537 (VCV001730537.3), dbSNP rs2503220053, ClinGen allele CA487176776.